The following is an entry in ClinVar:

NM_017752.3(TBC1D8B):c.1645G>A (p.Asp549Asn)

Gene: TBC1D8B (TBC1 domain family member 8B; plus strand). Cytogenetic location: Xq22.3.
Variant type: single nucleotide variant.
Coding change: c.1645G>A on transcript NM_017752.3 (MANE Select); coding-DNA position 1645, G replaced by A.
Protein change: p.Asp549Asn; replaces aspartic acid 549 with asparagine.
Molecular consequence: missense variant.
Genome position (GRCh38, 1-based): chrX:106,840,810, G>A. VCF-style: chrX-106840810-G-A. GRCh37 (hg19) VCF-style: chrX-106084040-G-A.
Other names: c.1495G>A, p.Asp499Asn (NM_001441214.1); c.1351G>A, p.Asp451Asn (NM_001441215.1); c.1645G>A, p.Asp549Asn (NM_198881.2); short protein forms D451N, D499N, D549N.
Identifiers: ClinVar variation 4711187 (VCV004711187.1).

ClinVar aggregate classification (germline): Uncertain significance (1 of 4 stars; one submission).

Submission:

Labcorp Genetics (formerly Invitae), Labcorp
Classification: Uncertain significance. Last evaluated: 2025-11-01. Review status: criteria provided, single submitter. Criteria: Invitae Variant Classification Sherloc (09022015). Collection method: clinical testing. Allele origin: germline.
Comment: This sequence change replaces aspartic acid, which is acidic and polar, with asparagine, which is neutral and polar, at codon 549 of the TBC1D8B protein (p.Asp549Asn). This variant is not present in population databases (gnomAD no frequency). This variant has not been reported in the literature in individuals affected with TBC1D8B-related conditions. An algorithm developed to predict the effect of missense changes on protein structure and function (PolyPhen-2) suggests that this variant is likely to be disruptive. In summary, the available evidence is currently insufficient to determine the role of this variant in disease. Therefore, it has been classified as a Variant of Uncertain Significance.